The following is an entry in ClinVar:

NM_006231.4(POLE):c.4016C>G (p.Thr1339Ser)

Gene: POLE (DNA polymerase epsilon, catalytic subunit; minus strand). Cytogenetic location: 12q24.33.
Variant type: single nucleotide variant.
Coding change: c.4016C>G on transcript NM_006231.4 (MANE Select); coding-DNA position 4016, C replaced by G.
Protein change: p.Thr1339Ser; replaces threonine 1339 with serine.
Molecular consequence: missense variant.
Genome position (GRCh38, 1-based): chr12:132,649,062, G>C on the plus strand (C>G on the coding strand, the complement: POLE is on the minus strand). VCF-style: chr12-132649062-G-C. GRCh37 (hg19) VCF-style: chr12-133225648-G-C.
Other names: short protein forms T1339S.
Identifiers: ClinVar variation 853477 (VCV000853477.12), dbSNP rs2042354438, ClinGen allele CA387384012.

ClinVar aggregate classification (germline): Uncertain significance. Review status: criteria provided, multiple submitters, no conflicts (2 of 4 stars). 2 submissions from 2 submitters: Uncertain significance (2). Last evaluated 2022-05-18.

Conditions:
Hereditary cancer-predisposing syndrome. Also called: Neoplastic Syndromes, Hereditary; Hereditary Cancer Syndrome; Tumor predisposition; Hereditary neoplastic syndrome. Identifiers: Orphanet 140162, MedGen C0027672, MeSH D009386, MONDO:0015356.

Submissions (2):

Ambry Genetics
Classification: Uncertain significance for Hereditary cancer-predisposing syndrome. Last evaluated: 2022-05-18. Review status: criteria provided, single submitter. Criteria: Ambry Variant Classification Scheme 2023. Collection method: clinical testing. Allele origin: germline.
Comment: The p.T1339S variant (also known as c.4016C>G), located in coding exon 32 of the POLE gene, results from a C to G substitution at nucleotide position 4016. The threonine at codon 1339 is replaced by serine, an amino acid with similar properties. This amino acid position is conserved. In addition, this alteration is predicted to be tolerated by in silico analysis. Since supporting evidence is limited at this time, the clinical significance of this alteration remains unclear.

Labcorp Genetics (formerly Invitae), Labcorp
Classification: Uncertain significance. Last evaluated: 2019-01-11. Review status: criteria provided, single submitter. Criteria: Invitae Variant Classification Sherloc (09022015). Collection method: clinical testing. Allele origin: germline.
Comment: This variant has not been reported in the literature in individuals with POLE-related conditions. This sequence change replaces threonine with serine at codon 1339 of the POLE protein (p.Thr1339Ser). The threonine residue is moderately conserved and there is a small physicochemical difference between threonine and serine. This variant is not present in population databases (ExAC no frequency). Algorithms developed to predict the effect of missense changes on protein structure and function (SIFT, PolyPhen-2, Align-GVGD) all suggest that this variant is likely to be tolerated, but these predictions have not been confirmed by published functional studies and their clinical significance is uncertain. In summary, the available evidence is currently insufficient to determine the role of this variant in disease. Therefore, it has been classified as a Variant of Uncertain Significance.